The following is an entry in ClinVar:

NM_194248.3(OTOF):c.153_159del (p.Val52fs)

Gene: OTOF (otoferlin; minus strand). Cytogenetic location: 2p23.3.
Variant type: Microsatellite.
Coding change: c.153_159del on transcript NM_194248.3 (MANE Select); coding-DNA positions 153 to 159, 7 bases deleted (GGTGGCC; older notation c.153_159delGGTGGCC).
Protein change: p.Val52fs; shifts the reading frame from valine 52.
Molecular consequence: frameshift variant.
Genome position (GRCh38, 1-based): chr2:26,527,900-26,527,906, GGCCACC deleted on the plus strand (GGTGGCC on the coding strand, the reverse complement: OTOF is on the minus strand); deleting any 7 consecutive bases within chr2:26,527,900-26,527,914 gives the same sequence; the c. name uses the placement nearest the transcript's 3' end. VCF-style (leftmost placement, unchanged base first): chr2-26527899-TGGCCACC-T. GRCh37 (hg19) VCF-style: chr2-26750767-TGGCCACC-T.
Other names: c.153_159del, p.Val52fs (NM_001287489.2); short protein forms V52fs.
Identifiers: ClinVar variation 2429321 (VCV002429321.3), dbSNP rs759366568, ClinGen allele CA2576700131.

ClinVar aggregate classification (germline): Likely pathogenic (1 of 4 stars; one submission).

Conditions:
Nonsyndromic genetic hearing loss. Also called: Nonsyndromic hearing loss and deafness; Non-syndromic genetic deafness; Nonsyndromic genetic deafness. Identifiers: Orphanet 87884, MedGen C5680182, MONDO:0019497.

Submission:

Women's Health and Genetics/Laboratory Corporation of America, LabCorp
Classification: Likely pathogenic for Nonsyndromic genetic hearing loss. Last evaluated: 2023-01-31. Review status: criteria provided, single submitter. Criteria: LabCorp Variant Classification Summary - May 2015. Collection method: clinical testing. Allele origin: germline.
Comment: Variant summary: OTOF c.153_159delGGTGGCC (p.Val52AlafsX36) results in a premature termination codon, predicted to cause a truncation of the encoded protein or absence of the protein due to nonsense mediated decay, which are commonly known mechanisms for disease. Truncations downstream of this position have been classified as pathogenic by our laboratory. The variant was absent in 251468 control chromosomes (gnomAD). To our knowledge, no occurrence of c.153_159delGGTGGCC in individuals affected with Nonsyndromic Hearing Loss And Deafness, Type 9 and no experimental evidence demonstrating its impact on protein function have been reported. No clinical diagnostic laboratories have submitted clinical-significance assessments for this variant to ClinVar after 2014. Based on the evidence outlined above, the variant was classified as likely pathogenic.